The following is an entry in ClinVar:

NM_020975.6(RET):c.208C>T (p.Gln70Ter)

Gene: RET (ret proto-oncogene; plus strand). Cytogenetic location: 10q11.21.
Variant type: single nucleotide variant.
Coding change: c.208C>T on transcript NM_020975.6 (MANE Select); coding-DNA position 208, C replaced by T.
Protein change: p.Gln70Ter; replaces glutamine 70 with a stop codon.
Molecular consequence: nonsense. On other transcripts: intron variant (4).
Genome position (GRCh38, 1-based): chr10:43,100,593, C>T. VCF-style: chr10-43100593-C-T. GRCh37 (hg19) VCF-style: chr10-43596041-C-T.
Other names: c.208C>T, p.Gln70Ter (NM_000323.2, NM_001406743.1, NM_001406744.1 and 34 more transcripts); c.74-8438C>T (NM_001406784.1); c.74-11506C>T (NM_001406794.1, NM_001406792.1, NM_001406793.1); short protein forms Q70*.
Identifiers: ClinVar variation 2629603 (VCV002629603.1), dbSNP rs1465353841, ClinGen allele CA376770313.
Genomic context (GRCh38, chr10:43,100,593, plus strand): 5'-TTGCTGTACGTCCATGCCCTGCGGGACGCCCCTGAGGAGGTGCCCAGCTTCCGCCTGGGC[C>T]AGCATCTCTACGGCACGTACCGCACACGGCTGCATGAGAACAACTGGATCTGCATCCAGG-3'

ClinVar aggregate classification (germline): Pathogenic (1 of 4 stars; one submission).

Conditions:
RET-related disorder. Also called: RET-related condition; RET-related disease; RET-related disorders.

Submission:

PreventionGenetics, part of Exact Sciences
Classification: Pathogenic for RET-related condition. Last evaluated: 2023-01-09. Review status: criteria provided, single submitter. Criteria: ACMG Guidelines, 2015. Collection method: clinical testing. Allele origin: germline.
Comment: The RET c.208C>T variant is predicted to result in premature protein termination (p.Gln70*). This variant was reported in an individual with hirschsprung disease (Table S4 in So et al. 2011. PubMed ID: 22174939). This variant has not been reported in a large population database, indicating this variant is rare. Nonsense variants in RET are expected to be pathogenic. This variant is interpreted as pathogenic.